The following is an entry in ClinVar:

ClinVar aggregate classification (germline): Likely pathogenic (1 of 4 stars; one submission).

Conditions:
Coffin-Siris syndrome 1 (CSS1). Also called: ARID1B-Related Coffin-Siris Syndrome; Mental retardation, autosomal dominant 12. Identifiers: Orphanet 1465, MedGen C3281201, MONDO:0007617, OMIM 135900. Disease mechanism: gain of function.

Submission:

Dasa
Classification: Likely pathogenic for Coffin-Siris syndrome 1. Last evaluated: 2025-06-02. Review status: criteria provided, single submitter. Criteria: DASA Assertion Criteria. Collection method: clinical testing. Allele origin: germline.
Comment: NM_001374828.1(ARID1B):c.6367del (p.Asp2123Metfs*21) is a frameshift variant in ARID1B predicted to alter the reading frame and introduce a premature termination codon and is predicted to result in an absent or altered protein product. Loss of function is an established disease mechanism for ARID1B (PMID: 22426308; PMID: 21801163; PMID: 22405089). Also, this variant is absent from population databases. Based on the currently available evidence, this variant is classified as likely pathogenic.

Literature cited by the submitters: PubMed 22426308; PubMed 21801163; PubMed 22405089.

NM_001374828.1(ARID1B):c.6367del (p.Asp2123fs)

Gene: ARID1B (AT-rich interaction domain 1B; plus strand). Cytogenetic location: 6q25.3.
Variant type: Deletion.
Coding change: c.6367del on transcript NM_001374828.1 (MANE Select); coding-DNA position 6367, one base deleted (G; older notation c.6367delG).
Protein change: p.Asp2123fs; shifts the reading frame from aspartic acid 2123.
Molecular consequence: frameshift variant.
Genome position (GRCh38, 1-based): chr6:157,207,139, G deleted; the last of 2 consecutive G bases (chr6:157,207,138-157,207,139); deleting either gives the same sequence. VCF-style (leftmost placement, unchanged base first): chr6-157207137-AG-A. GRCh37 (hg19) VCF-style: chr6-157528271-AG-A.
Other names: c.3868del, p.Asp1290fs (NM_001363725.2); c.6247del, p.Asp2083fs (NM_001371656.1, NM_001374820.1); c.6496del, p.Asp2166fs (NM_001438482.1); c.6409del, p.Asp2137fs (NM_001438483.1); c.6277del, p.Asp2093fs (NM_001438485.1); c.6250del, p.Asp2084fs (NM_001438486.1); c.6187del, p.Asp2063fs (NM_001438487.1); c.3709del, p.Asp1237fs (NM_001438488.1); and 1 more; short protein forms D1237fs, D1290fs, D2063fs, D2070fs, D2083fs, D2084fs, D2093fs, D2123fs.
Identifiers: ClinVar variation 4884256 (VCV004884256.2).